The following is an entry in ClinVar:

ClinVar aggregate classification (germline): Uncertain significance (1 of 4 stars; one submission).

Submission:

GeneDx
Classification: Uncertain significance. Last evaluated: 2023-06-26. Review status: criteria provided, single submitter. Criteria: GeneDx Variant Classification Process June 2021. Collection method: clinical testing. Allele origin: germline. Affected: yes.
Comment: Not observed at significant frequency in large population cohorts (gnomAD); In silico analysis supports that this missense variant has a deleterious effect on protein structure/function; Has not been previously published as pathogenic or benign to our knowledge

NM_015557.3(CHD5):c.1717C>T (p.Pro573Ser)

Gene: CHD5 (chromodomain helicase DNA binding protein 5; minus strand). Cytogenetic location: 1p36.31.
Variant type: single nucleotide variant.
Coding change: c.1717C>T on transcript NM_015557.3 (MANE Select); coding-DNA position 1717, C replaced by T.
Protein change: p.Pro573Ser; replaces proline 573 with serine.
Molecular consequence: missense variant.
Genome position (GRCh38, 1-based): chr1:6,146,297, G>A on the plus strand (C>T on the coding strand, the complement: CHD5 is on the minus strand). VCF-style: chr1-6146297-G-A. GRCh37 (hg19) VCF-style: chr1-6206357-G-A.
Other names: short protein forms P573S.
Identifiers: ClinVar variation 3360047 (VCV003360047.1).